The following is an entry in ClinVar:

NM_017763.6(RNF43):c.1281C>T (p.His427=)

Gene: RNF43 (ring finger protein 43; minus strand). Cytogenetic location: 17q22.
Variant type: single nucleotide variant.
Coding change: c.1281C>T on transcript NM_017763.6 (MANE Select); coding-DNA position 1281, C replaced by T.
Protein change: p.His427=; no amino-acid change (histidine 427 retained).
Molecular consequence: synonymous variant.
Genome position (GRCh38, 1-based): chr17:58,358,495, G>A on the plus strand (C>T on the coding strand, the complement: RNF43 is on the minus strand). VCF-style: chr17-58358495-G-A. GRCh37 (hg19) VCF-style: chr17-56435856-G-A.
Other names: c.1281C>T, p.His427= (NM_001305544.3, NM_001438820.1, NM_001438821.1 and 1 more transcripts); c.900C>T, p.His300= (NM_001305545.2, NM_001437987.1).
Identifiers: ClinVar variation 5042371 (VCV005042371.1).

ClinVar aggregate classification (germline): Benign (1 of 4 stars; one submission).

Conditions:
Sessile serrated polyposis cancer syndrome (SSPCS). Identifiers: Orphanet 157798, MedGen C4310714, MONDO:0014919, OMIM 617108.

Submission:

Myriad Genetics, Inc.
Classification: Benign for Sessile serrated polyposis cancer syndrome. Last evaluated: 2026-07-01. Review status: criteria provided, single submitter. Criteria: Myriad Autosomal Dominant, Autosomal Recessive and X-Linked Classification Criteria (2023). Collection method: clinical testing. Allele origin: unknown.
Comment: This variant is considered benign. This variant is a silent/synonymous amino acid change and it is not expected to impact splicing.